The following is an entry in ClinVar:

NM_006846.4(SPINK5):c.1132A>C (p.Lys378Gln)

Gene: SPINK5 (serine peptidase inhibitor Kazal type 5; plus strand). Cytogenetic location: 5q32.
Variant type: single nucleotide variant.
Coding change: c.1132A>C on transcript NM_006846.4 (MANE Select); coding-DNA position 1132, A replaced by C.
Protein change: p.Lys378Gln; replaces lysine 378 with glutamine.
Molecular consequence: missense variant.
Genome position (GRCh38, 1-based): chr5:148,100,493, A>C. VCF-style: chr5-148100493-A-C. GRCh37 (hg19) VCF-style: chr5-147480056-A-C.
Other names: c.1132A>C, p.Lys378Gln (NM_001127698.2, NM_001127699.2); short protein forms K378Q.
Identifiers: ClinVar variation 708757 (VCV000708757.40), dbSNP rs180696183, ClinGen allele CA3495487.

ClinVar aggregate classification (germline): Conflicting classifications of pathogenicity. Review status: criteria provided, conflicting classifications (1 of 4 stars). 4 submissions from 4 submitters: Uncertain significance (1); Benign (2); Likely benign (1). Last evaluated 2026-02-01.

Conditions:
Netherton syndrome (NETH). Also called: ERYTHRODERMA, ICHTHYOSIFORM, WITH HYPOTRICHOSIS AND HYPER-IgE; COMEL-NETHERTON SYNDROME; NETHERTON DISEASE. Identifiers: Orphanet 634, MedGen C5574950, MONDO:0009735, OMIM 256500.
Ichthyosis linearis circumflexa. Identifiers: MedGen C0265962, MONDO:0043106, HP:0025810.

Allele frequency attached by ClinVar (database versions not stated): 1000 Genomes Project 0.00040; ESP Exome Variant Server 0.00041; 1000 Genomes Project 30x 0.00047; TOPMed 0.00058; gnomAD 0.00062 and 0.00064; gnomAD exomes 0.00069 and 0.00089; ExAC 0.00090.
gnomAD v4.1: 1,122 of 1,613,038 alleles (0.07%); highest among the groups gnomAD compares: Admixed American, 0.062%; 6 homozygotes.

Submissions (4):

Labcorp Genetics (formerly Invitae), Labcorp
Classification: Benign for Ichthyosis linearis circumflexa. Last evaluated: 2026-02-01. Review status: criteria provided, single submitter. Criteria: Invitae Variant Classification Sherloc (09022015). Collection method: clinical testing. Allele origin: germline.

Blueprint Genetics
Classification: Likely benign. Last evaluated: 2024-11-22. Review status: criteria provided, single submitter. Criteria: ACMG Guidelines, 2015. Collection method: clinical testing. Allele origin: germline.

CeGaT Center for Human Genetics Tuebingen
Classification: Benign. Last evaluated: 2023-12-01. Review status: criteria provided, single submitter. Criteria: CeGaT Center For Human Genetics Tuebingen Variant Classification Criteria Version 2. Collection method: clinical testing. Allele origin: germline. Affected: yes. Observed: 2 variant alleles.
Comment: SPINK5: BP4, BS1, BS2

Illumina Laboratory Services, Illumina
Classification: Uncertain significance for Netherton syndrome. Last evaluated: 2018-01-13. Review status: criteria provided, single submitter. Criteria: ICSL Variant Classification Criteria 13 December 2019. Collection method: clinical testing. Allele origin: germline.